The following is an entry in ClinVar:

NM_021098.3(CACNA1H):c.2312A>G (p.Glu771Gly)

Gene: CACNA1H (calcium voltage-gated channel subunit alpha1 H; plus strand). Cytogenetic location: 16p13.3.
Variant type: single nucleotide variant.
Coding change: c.2312A>G on transcript NM_021098.3 (MANE Select); coding-DNA position 2312, A replaced by G.
Protein change: p.Glu771Gly; replaces glutamic acid 771 with glycine.
Molecular consequence: missense variant.
Genome position (GRCh38, 1-based): chr16:1,204,319, A>G. VCF-style: chr16-1204319-A-G. GRCh37 (hg19) VCF-style: chr16-1254319-A-G.
Other names: c.2312A>G, p.Glu771Gly (NM_001005407.2); short protein forms E771G.
Identifiers: ClinVar variation 1438585 (VCV001438585.6), dbSNP rs2141280761, ClinGen allele CA394166191.
Genomic context (GRCh38, chr16:1,204,319, plus strand): 5'-CACCAGGCCCAGGCCCAGGCAGCCCCCAGCGGCGGGCACAGCAGAGGGCAGCCCCGGGCG[A>G]GCCAGGCTGGATGGGCCGCCTCTGGGTTACCTTCAGCGGCAAGCTGCGCCGCATCGTGGA-3'
Protein context (NP_066921.2, residues 761-781): RRAQQRAAPG[Glu771Gly]PGWMGRLWVT

ClinVar aggregate classification (germline): Uncertain significance (1 of 4 stars; one submission).

Conditions:
Idiopathic generalized epilepsy. Also called: EIG; Generalised epilepsy. Identifiers: MedGen C0270850, MONDO:0005579, OMIM 600669.
Hyperaldosteronism, familial, type IV (HALD4). Also called: FH IV; ALDOSTERONISM, PRIMARY, AND HYPERTENSION. Identifiers: Orphanet 642671, MedGen C4310756, MONDO:0014875, OMIM 617027.

Submission:

Labcorp Genetics (formerly Invitae), Labcorp
Classification: Uncertain significance for Idiopathic generalized epilepsy; Hyperaldosteronism, familial, type IV. Last evaluated: 2022-09-27. Review status: criteria provided, single submitter. Criteria: Invitae Variant Classification Sherloc (09022015). Collection method: clinical testing. Allele origin: germline.
Comment: This variant is not present in population databases (gnomAD no frequency). In summary, the available evidence is currently insufficient to determine the role of this variant in disease. Therefore, it has been classified as a Variant of Uncertain Significance. Advanced modeling of protein sequence and biophysical properties (such as structural, functional, and spatial information, amino acid conservation, physicochemical variation, residue mobility, and thermodynamic stability) performed at Invitae indicates that this missense variant is not expected to disrupt CACNA1H protein function. ClinVar contains an entry for this variant (Variation ID: 1438585). This variant has not been reported in the literature in individuals affected with CACNA1H-related conditions. This sequence change replaces glutamic acid, which is acidic and polar, with glycine, which is neutral and non-polar, at codon 771 of the CACNA1H protein (p.Glu771Gly).